The following is an entry in ClinVar:

ClinVar aggregate classification (germline): Likely benign (1 of 4 stars; one submission).

Conditions:
Vesicoureteral reflux 2 (VUR2). Identifiers: Orphanet 289365, MedGen C1970483, MONDO:0012573, OMIM 610878.

Allele frequency attached by ClinVar (database versions not stated): 1000 Genomes Project 0.00080; gnomAD 0.00093 and 0.00099; TOPMed 0.00094; 1000 Genomes Project 30x 0.00156.
gnomAD v4.1: 141 of 152,326 alleles (0.093%); highest among the groups gnomAD compares: African/African-American, 0.33%; no homozygotes.

Submission:

Illumina Laboratory Services, Illumina
Classification: Likely benign for Vesicoureteral reflux 2. Last evaluated: 2018-01-13. Review status: criteria provided, single submitter. Criteria: ICSL Variant Classification Criteria 13 December 2019. Collection method: clinical testing. Allele origin: germline.
Comment: This variant was observed in the ICSL laboratory as part of a predisposition screen in an ostensibly healthy population. It had not been previously curated by ICSL or reported in the Human Gene Mutation Database (HGMD: prior to June 1st, 2018), and was therefore a candidate for classification through an automated scoring system. Utilizing variant allele frequency, disease prevalence and penetrance estimates, and inheritance mode, an automated score was calculated to assess if this variant is too frequent to cause the disease. Based on the score and internal cut-off values, a variant classified as likely benign is not then subjected to further curation. The score for this variant resulted in a classification of likely benign for this disease.

NM_001395656.1(ROBO2):c.*3568T>C

Gene: ROBO2 (roundabout guidance receptor 2; plus strand). Cytogenetic location: 3p12.3.
Variant type: single nucleotide variant.
Coding change: c.*3568T>C on transcript NM_001395656.1 (MANE Select); 3568 bases downstream of the stop codon, T replaced by C.
Molecular consequence: 3 prime UTR variant.
Genome position (GRCh38, 1-based): chr3:77,649,623, T>C. VCF-style: chr3-77649623-T-C. GRCh37 (hg19) VCF-style: chr3-77698774-T-C.
Other names: c.*3568T>C (NM_001128929.3, NM_001290039.2, NM_001290040.2 and 14 more transcripts); c.*3565T>C (NM_001378194.1, NM_001378196.1, NM_001378199.1 and 3 more transcripts).
Identifiers: ClinVar variation 901084 (VCV000901084.5), dbSNP rs545392588, ClinGen allele CA77534627.
Genomic context (GRCh38, chr3:77,649,623, plus strand): 5'-GCAACATGTCTTTCCACATTATTTTAGAGGTGAAATTACTTTTGTTTTGCTTCTCTATAA[T>C]GTGTACTTCAAATGAAACACCATACTTTTTTCTAAAAAAAGATGTTCAATTTACTAATTT-3'